The following is an entry in ClinVar:

NM_004320.6(ATP2A1):c.342C>T (p.Asn114=)

Gene: ATP2A1 (ATPase sarcoplasmic/endoplasmic reticulum Ca2+ transporting 1; plus strand). Cytogenetic location: 16p11.2.
Variant type: single nucleotide variant.
Coding change: c.342C>T on transcript NM_004320.6 (MANE Select); coding-DNA position 342, C replaced by T.
Protein change: p.Asn114=; no amino-acid change (asparagine 114 retained).
Molecular consequence: synonymous variant. On other transcripts: 5 prime UTR variant (1).
Genome position (GRCh38, 1-based): chr16:28,882,468, C>T. VCF-style: chr16-28882468-C-T. GRCh37 (hg19) VCF-style: chr16-28893789-C-T.
Other names: c.-34C>T (NM_001286075.2); c.342C>T, p.Asn114= (NM_173201.5).
Identifiers: ClinVar variation 704450 (VCV000704450.13), dbSNP rs770335039, ClinGen allele CA7986628.

ClinVar aggregate classification (germline): Likely benign. Review status: criteria provided, multiple submitters, no conflicts (2 of 4 stars). 3 submissions from 3 submitters: Likely benign (2). 1 of the submissions does not count toward it. Last evaluated 2025-12-30.

Conditions:
Brody myopathy. Also called: BRODY DISEASE. Identifiers: Orphanet 53347, MedGen C1832918, MONDO:0010977, OMIM 601003.
ATP2A1-related disorder. Also called: ATP2A1-related condition.

Allele frequency attached by ClinVar (database versions not stated): gnomAD 0.00001; TOPMed 0.00003; gnomAD exomes 0.00010; ExAC 0.00011.
gnomAD v4.1: 33 of 1,614,066 alleles (0.002%); highest among the groups gnomAD compares: Admixed American, 0.045%; no homozygotes.

Submissions (3):

Labcorp Genetics (formerly Invitae), Labcorp
Classification: Likely benign for Brody myopathy. Last evaluated: 2025-12-30. Review status: criteria provided, single submitter. Criteria: Invitae Variant Classification Sherloc (09022015). Collection method: clinical testing. Allele origin: germline.

GeneDx
Classification: Likely benign. Last evaluated: 2021-01-29. Review status: criteria provided, single submitter. Criteria: GeneDx Variant Classification Process June 2021. Collection method: clinical testing. Allele origin: germline. Affected: yes.

PreventionGenetics, part of Exact Sciences
Classification: Likely benign for ATP2A1-related condition. Last evaluated: 2020-09-02. Review status: no assertion criteria provided. Collection method: clinical testing. Allele origin: germline. Not counted in ClinVar's aggregate classification.
Comment: This variant is classified as likely benign based on ACMG/AMP sequence variant interpretation guidelines (Richards et al. 2015 PMID: 25741868, with internal and published modifications).